The following is an entry in ClinVar:

NM_000301.5(PLG):c.1385T>C (p.Val462Ala)

Gene: PLG (plasminogen; plus strand). Cytogenetic location: 6q26.
Variant type: single nucleotide variant.
Coding change: c.1385T>C on transcript NM_000301.5 (MANE Select); coding-DNA position 1385, T replaced by C.
Protein change: p.Val462Ala; replaces valine 462 with alanine.
Molecular consequence: missense variant.
Genome position (GRCh38, 1-based): chr6:160,731,179, T>C. VCF-style: chr6-160731179-T-C. GRCh37 (hg19) VCF-style: chr6-161152211-T-C.
Other names: short protein forms V462A.
Identifiers: ClinVar variation 2888592 (VCV002888592.5), dbSNP rs142565890, ClinGen allele CA4087764.

ClinVar aggregate classification (germline): Uncertain significance. Review status: criteria provided, multiple submitters, no conflicts (2 of 4 stars). 3 submissions from 3 submitters: Uncertain significance (3). Last evaluated 2024-09-16.

Conditions:
Plasminogen deficiency, type I. Also called: Type 1 plasminogen deficiency; Hypoplasminogenemia. Identifiers: Orphanet 722, MedGen C1968804, MONDO:0009009, OMIM 217090.
Angioedema, hereditary, 4. Identifiers: MedGen C5543503, MONDO:0025712, OMIM 619360.

Allele frequency attached by ClinVar (database versions not stated): ExAC 0.00003; ESP Exome Variant Server 0.00008; TOPMed 0.00017.
gnomAD v4.1: 36 of 1,614,132 alleles (0.0022%); highest among the groups gnomAD compares: African/African-American, 0.037%; no homozygotes.

Submissions (3):

Women's Health and Genetics/Laboratory Corporation of America, LabCorp
Classification: Uncertain significance. Last evaluated: 2024-09-16. Review status: criteria provided, single submitter. Criteria: LabCorp Variant Classification Summary - May 2015. Collection method: clinical testing. Allele origin: germline.
Comment: Variant summary: PLG c.1385T>C (p.Val462Ala) results in a non-conservative amino acid change in the encoded protein sequence. Four of five in-silico tools predict a benign effect of the variant on protein function. The variant allele was found at a frequency of 3.2e-05 in 251354 control chromosomes. The available data on variant occurrences in the general population are insufficient to allow any conclusion about variant significance. To our knowledge, no occurrence of c.1385T>C in individuals affected with Plasminogen Deficiency and no experimental evidence demonstrating its impact on protein function have been reported. ClinVar contains an entry for this variant (Variation ID: 2888592). Based on the evidence outlined above, the variant was classified as uncertain significance.

Fulgent Genetics
Classification: Uncertain significance for Plasminogen deficiency, type I; Angioedema, hereditary, 4. Last evaluated: 2024-03-26. Review status: criteria provided, single submitter. Criteria: ACMG Guidelines, 2015. Collection method: clinical testing. Allele origin: germline.

Labcorp Genetics (formerly Invitae), Labcorp
Classification: Uncertain significance. Last evaluated: 2024-01-08. Review status: criteria provided, single submitter. Criteria: Invitae Variant Classification Sherloc (09022015). Collection method: clinical testing. Allele origin: germline.
Comment: This sequence change replaces valine, which is neutral and non-polar, with alanine, which is neutral and non-polar, at codon 462 of the PLG protein (p.Val462Ala). This variant is present in population databases (rs142565890, gnomAD 0.05%). This variant has not been reported in the literature in individuals affected with PLG-related conditions. Advanced modeling of protein sequence and biophysical properties (such as structural, functional, and spatial information, amino acid conservation, physicochemical variation, residue mobility, and thermodynamic stability) performed at Invitae indicates that this missense variant is not expected to disrupt PLG protein function with a negative predictive value of 80%. In summary, the available evidence is currently insufficient to determine the role of this variant in disease. Therefore, it has been classified as a Variant of Uncertain Significance.